The following is an entry in ClinVar:

NM_001211.6(BUB1B):c.136G>A (p.Ala46Thr)

Gene: BUB1B (BUB1 mitotic checkpoint serine/threonine kinase B; plus strand). Cytogenetic location: 15q15.1.
Variant type: single nucleotide variant.
Coding change: c.136G>A on transcript NM_001211.6 (MANE Select); coding-DNA position 136, G replaced by A.
Protein change: p.Ala46Thr; replaces alanine 46 with threonine.
Molecular consequence: missense variant.
Genome position (GRCh38, 1-based): chr15:40,165,153, G>A. VCF-style: chr15-40165153-G-A. GRCh37 (hg19) VCF-style: chr15-40457354-G-A.
Other names: short protein forms A46T.
Identifiers: ClinVar variation 663505 (VCV000663505.13), dbSNP rs750858057, ClinGen allele CA7475355.
Genomic context (GRCh38, chr15:40,165,153, plus strand): 5'-AAAGAAAATGTACAACCTTTAAGGCAAGGGCGGATCATGTCCACGCTTCAGGGAGCACTG[G>A]CACAAGAATCTGCCTGTAACAATACTCTTCAGCAGCAGAAACGGTGTGTAGAATGGCTGA-3'
Protein context (NP_001202.5, residues 36-56): RIMSTLQGAL[Ala46Thr]QESACNNTLQ

ClinVar aggregate classification (germline): Uncertain significance. Review status: criteria provided, multiple submitters, no conflicts (2 of 4 stars). 2 submissions from 2 submitters: Uncertain significance (2). Last evaluated 2024-05-12.

Conditions:
Mosaic variegated aneuploidy syndrome 1 (MVA1). Also called: Warburton-Anyane-Yeboa syndrome. Identifiers: Orphanet 1052, MedGen C1850343, MONDO:0009759, OMIM 257300.
Inborn genetic diseases. Identifiers: MedGen C0950123, MeSH D030342.

Allele frequency attached by ClinVar (database versions not stated): gnomAD exomes below 0.00001; ExAC 0.00001.
gnomAD v4.1: 1 of 1,614,176 alleles (0.000062%); highest among the groups gnomAD compares: Non-Finnish European, 0.000085%; no homozygotes.

Submissions (2):

Ambry Genetics
Classification: Uncertain significance for Inborn genetic diseases. Last evaluated: 2024-05-12. Review status: criteria provided, single submitter. Criteria: Ambry Variant Classification Scheme 2023. Collection method: clinical testing. Allele origin: germline.
Comment: The p.A46T variant (also known as c.136G>A), located in coding exon 2 of the BUB1B gene, results from a G to A substitution at nucleotide position 136. The alanine at codon 46 is replaced by threonine, an amino acid with similar properties. This amino acid position is conserved. In addition, this alteration is predicted to be tolerated by in silico analysis. Since supporting evidence is limited at this time, the clinical significance of this alteration remains unclear.

Labcorp Genetics (formerly Invitae), Labcorp
Classification: Uncertain significance for Mosaic variegated aneuploidy syndrome 1. Last evaluated: 2018-08-18. Review status: criteria provided, single submitter. Criteria: Invitae Variant Classification Sherloc (09022015). Collection method: clinical testing. Allele origin: germline.
Comment: In summary, the available evidence is currently insufficient to determine the role of this variant in disease. Therefore, it has been classified as a Variant of Uncertain Significance. Algorithms developed to predict the effect of missense changes on protein structure and function are either unavailable or do not agree on the potential impact of this missense change (SIFT: "Tolerated"; PolyPhen-2: "Possibly Damaging"; Align-GVGD: "Class C0"). This variant has not been reported in the literature in individuals with BUB1B-related disease. This variant is present in population databases (rs750858057, ExAC 0.001%). This sequence change replaces alanine with threonine at codon 46 of the BUB1B protein (p.Ala46Thr). The alanine residue is moderately conserved and there is a small physicochemical difference between alanine and threonine.